The following is an entry in ClinVar:

NM_002230.4(JUP):c.494T>C (p.Ile165Thr)

Gene: JUP (junction plakoglobin; minus strand). Cytogenetic location: 17q21.2.
Variant type: single nucleotide variant.
Coding change: c.494T>C on transcript NM_002230.4 (MANE Select); coding-DNA position 494, T replaced by C.
Protein change: p.Ile165Thr; replaces isoleucine 165 with threonine.
Molecular consequence: missense variant.
Genome position (GRCh38, 1-based): chr17:41,769,182, A>G on the plus strand (T>C on the coding strand, the complement: JUP is on the minus strand). VCF-style: chr17-41769182-A-G. GRCh37 (hg19) VCF-style: chr17-39925434-A-G.
Other names: c.494T>C, p.Ile165Thr (NM_001352773.2, NM_001352774.2, NM_001352775.2 and 3 more transcripts); short protein forms I165T.
Identifiers: ClinVar variation 468755 (VCV000468755.19), dbSNP rs1254146503, ClinGen allele CA399503580.

ClinVar aggregate classification (germline): Uncertain significance. Review status: criteria provided, multiple submitters, no conflicts (2 of 4 stars). 2 submissions from 2 submitters: Uncertain significance (2). Last evaluated 2025-11-09.

Conditions:
Naxos disease (NXD). Also called: KERATOSIS PALMOPLANTARIS WITH ARRHYTHMOGENIC CARDIOMYOPATHY; MAL DE NAXOS; PALMOPLANTAR KERATODERMA WITH ARRHYTHMOGENIC RIGHT VENTRICULAR CARDIOMYOPATHY AND WOOLLY HAIR; WOOLLY HAIR, PALMOPLANTAR KERATODERMA, AND CARDIAC ABNORMALITIES; CARDIOMYOPATHY, ARRHYTHMOGENIC RIGHT VENTRICULAR, WITH SKIN, HAIR, AND NAIL ABNORMALITIES. Identifiers: Orphanet 34217, MedGen C1832600, MONDO:0011017, OMIM 601214.
Arrhythmogenic right ventricular dysplasia 12. Also called: ARRHYTHMOGENIC RIGHT VENTRICULAR DYSPLASIA, FAMILIAL, 12. Identifiers: MedGen C1969081, MONDO:0012684, OMIM 611528.
Cardiovascular phenotype. Identifiers: MedGen CN230736.

Allele frequency attached by ClinVar (database versions not stated): gnomAD exomes below 0.00001; gnomAD 0.00001; TOPMed 0.00001.
gnomAD v4.1: 3 of 1,601,844 alleles (0.00019%); highest among the groups gnomAD compares: Non-Finnish European, 0.00025%; no homozygotes.

Submissions (2):

Labcorp Genetics (formerly Invitae), Labcorp
Classification: Uncertain significance for Arrhythmogenic right ventricular dysplasia 12; Naxos disease. Last evaluated: 2025-11-09. Review status: criteria provided, single submitter. Criteria: Invitae Variant Classification Sherloc (09022015). Collection method: clinical testing. Allele origin: germline.
Comment: This sequence change replaces isoleucine, which is neutral and non-polar, with threonine, which is neutral and polar, at codon 165 of the JUP protein (p.Ile165Thr). This variant is not present in population databases (gnomAD no frequency). This variant has not been reported in the literature in individuals affected with JUP-related conditions. ClinVar contains an entry for this variant (Variation ID: 468755). An algorithm developed to predict the effect of missense changes on protein structure and function (PolyPhen-2) suggests that this variant is likely to be disruptive. In summary, the available evidence is currently insufficient to determine the role of this variant in disease. Therefore, it has been classified as a Variant of Uncertain Significance.

Ambry Genetics
Classification: Uncertain significance for Cardiovascular phenotype. Last evaluated: 2025-08-12. Review status: criteria provided, single submitter. Criteria: Ambry Variant Classification Scheme 2023. Collection method: clinical testing. Allele origin: germline.
Comment: The p.I165T variant (also known as c.494T>C), located in coding exon 3 of the JUP gene, results from a T to C substitution at nucleotide position 494. The isoleucine at codon 165 is replaced by threonine, an amino acid with similar properties. This amino acid position is conserved. In addition, this alteration is predicted to be tolerated by in silico analysis. Based on the available evidence, the clinical significance of this variant remains unclear.